The following is an entry in ClinVar:

NM_001330360.2(POLA1):c.3064G>A (p.Glu1022Lys)

Gene: POLA1 (DNA polymerase alpha 1, catalytic subunit; plus strand). Cytogenetic location: Xp22.11.
Variant type: single nucleotide variant.
Coding change: c.3064G>A on transcript NM_001330360.2 (MANE Select); coding-DNA position 3064, G replaced by A.
Protein change: p.Glu1022Lys; replaces glutamic acid 1022 with lysine.
Molecular consequence: missense variant. On other transcripts: non-coding transcript variant (2).
Genome position (GRCh38, 1-based): chrX:24,810,774, G>A. VCF-style: chrX-24810774-G-A. GRCh37 (hg19) VCF-style: chrX-24828891-G-A.
Other names: c.2989G>A, p.Glu997Lys (NM_001378303.1); c.3046G>A, p.Glu1016Lys (NM_016937.4); short protein forms E1016K, E1022K, E997K.
Identifiers: ClinVar variation 1715741 (VCV001715741.5), dbSNP rs2518662472, ClinGen allele CA412524712.

ClinVar aggregate classification (germline): Uncertain significance (1 of 4 stars; one submission).

Allele frequency attached by ClinVar (database versions not stated): gnomAD exomes below 0.00001.
gnomAD v4.1: 1 of 1,074,140 alleles (0.000093%); highest among the groups gnomAD compares: Non-Finnish European, 0.00013%; no homozygotes.

Submission:

Labcorp Genetics (formerly Invitae), Labcorp
Classification: Uncertain significance. Last evaluated: 2022-08-08. Review status: criteria provided, single submitter. Criteria: Invitae Variant Classification Sherloc (09022015). Collection method: clinical testing. Allele origin: germline.
Comment: In summary, the available evidence is currently insufficient to determine the role of this variant in disease. Therefore, it has been classified as a Variant of Uncertain Significance. Algorithms developed to predict the effect of missense changes on protein structure and function are either unavailable or do not agree on the potential impact of this missense change (SIFT: "Deleterious"; PolyPhen-2: "Benign"; Align-GVGD: "Class C15"). This variant has not been reported in the literature in individuals affected with POLA1-related conditions. This variant is not present in population databases (gnomAD no frequency). This sequence change replaces glutamic acid, which is acidic and polar, with lysine, which is basic and polar, at codon 1016 of the POLA1 protein (p.Glu1016Lys).